The following is an entry in ClinVar:

ClinVar aggregate classification (germline): Uncertain significance. Review status: criteria provided, multiple submitters, no conflicts (2 of 4 stars). 2 submissions from 2 submitters: Uncertain significance (2). Last evaluated 2025-06-23.

Allele frequency attached by ClinVar (database versions not stated): gnomAD 0.00001; TOPMed 0.00001.
gnomAD v4.1: 1 of 1,614,078 alleles (0.000062%); highest among the groups gnomAD compares: African/African-American, 0.0013%; no homozygotes.

Submissions (2):

Labcorp Genetics (formerly Invitae), Labcorp
Classification: Uncertain significance. Last evaluated: 2025-06-23. Review status: criteria provided, single submitter. Criteria: Invitae Variant Classification Sherloc (09022015). Collection method: clinical testing. Allele origin: germline.
Comment: This sequence change creates a premature translational stop signal (p.Ser119*) in the KANK1 gene. It is expected to result in an absent or disrupted protein product. However, the current clinical and genetic evidence is not sufficient to establish whether loss-of-function variants in KANK1 cause disease. This variant is not present in population databases (gnomAD no frequency). This variant has not been reported in the literature in individuals affected with KANK1-related conditions. ClinVar contains an entry for this variant (Variation ID: 1878301). In summary, the available evidence is currently insufficient to determine the role of this variant in disease. Therefore, it has been classified as a Variant of Uncertain Significance.

Women's Health and Genetics/Laboratory Corporation of America, LabCorp
Classification: Uncertain significance. Last evaluated: 2022-12-14. Review status: criteria provided, single submitter. Criteria: LabCorp Variant Classification Summary - May 2015. Collection method: clinical testing. Allele origin: germline.
Comment: Variant summary: KANK1 c.356C>G (p.Ser119X) results in a premature termination codon, predicted to cause a truncation of the encoded protein or absence of the protein. Although an early report described deletion of the KANK1 gene in individuals affected with congenital hypotonia that progressed to cerebral palsy, where affected individuals inherited the deletion from their healthy fathers, and this led the authors to propose a parent-of-origin effect (PMID 16301218), however, later case reports did not support the parent-of-origin model (PMIDs: 2345427, 29729439), and a recent review concluded that haploinsufficiency of KANK1 was not likely to cause disease (PMID: 30684669). Currently available evidence is not sufficient to establish whether loss-of-function variants KANK1 in biallelic form could cause disease. The variant was absent in 251488 control chromosomes (gnomAD). The available data on variant occurrences in the general population are insufficient to allow any conclusion about variant significance. To our knowledge, no occurrence of c.356C>G in individuals affected with Cerebral Palsy, Spastic Quadriplegic, 2 and no experimental evidence demonstrating its impact on protein function have been reported. No clinical diagnostic laboratories have submitted clinical-significance assessments for this variant to ClinVar after 2014. Based on the evidence outlined above, the variant was classified as uncertain significance.

NM_015158.5(KANK1):c.356C>G (p.Ser119Ter)

Gene: KANK1 (KN motif and ankyrin repeat domains 1; plus strand). Cytogenetic location: 9p24.3.
Variant type: single nucleotide variant.
Coding change: c.356C>G on transcript NM_015158.5 (MANE Select); coding-DNA position 356, C replaced by G.
Protein change: p.Ser119Ter; replaces serine 119 with a stop codon.
Molecular consequence: nonsense. On other transcripts: 5 prime UTR variant (12), non-coding transcript variant (1).
Genome position (GRCh38, 1-based): chr9:711,122, C>G. VCF-style: chr9-711122-C-G. GRCh37 (hg19) VCF-style: chr9-711122-C-G.
Other names: c.356C>G, p.Ser119Ter (NM_001256876.3, NM_001256877.3, NM_001354331.2 and 2 more transcripts); c.-119C>G (NM_001354333.2, NM_001354335.2, NM_001354336.2 and 9 more transcripts); short protein forms S119*.
Identifiers: ClinVar variation 1878301 (VCV001878301.2), dbSNP rs1417349567, ClinGen allele CA372746002.
Genomic context (GRCh38, chr9:711,122, plus strand): 5'-ACAACAAGCAGTGCCCCAACTTCCTCATAGCCAGAAGTCAAGTTACATCAACTCCAATCT[C>G]AAAGCCACCTCCCCCTCTGGAGACCTCACTCCCTTTTCTTACCATCCCAGAAAATCGACA-3'